The following is an entry in ClinVar:

NC_000013.11:g.(?_32315480)_(32315687_?)del

Genes: BRCA2 (BRCA2 DNA repair associated; plus strand), LOC106721785 (BRCA2 promoter/silencer region; plus strand). Cytogenetic location: 13q13.1.
Variant type: Deletion.
Identifiers: ClinVar variation 662866 (VCV000662866.8).

ClinVar aggregate classification (germline): Uncertain significance (1 of 4 stars; one submission).

Conditions:
Hereditary breast ovarian cancer syndrome. Also called: Hereditary breast and ovarian cancer syndrome (HBOC); Hereditary breast and ovarian cancer syndrome; Breast and ovarian cancer; Hereditary breast and ovarian cancer; Hereditary breast and/or ovarian cancer syndrome; BRCA1- and BRCA2-Associated Hereditary Breast and Ovarian Cancer. Identifiers: Orphanet 145, MedGen C0677776, MeSH D061325, MONDO:0003582. Disease mechanism: loss of function.

Submission:

Labcorp Genetics (formerly Invitae), Labcorp
Classification: Uncertain significance for Hereditary breast ovarian cancer syndrome. Last evaluated: 2023-12-27. Review status: criteria provided, single submitter. Criteria: Invitae Variant Classification Sherloc (09022015). Collection method: clinical testing. Allele origin: germline.
Comment: This variant is a gross deletion that occurs in a non-coding region of the BRCA2 gene. It does not change the encoded amino acid sequence of the BRCA2 protein. A similar copy number variant has been observed in individual(s) with breast cancer (PMID: 30630528). Algorithms developed to predict the effect of variants on protein structure and function are not available or were not evaluated for this variant. Experimental studies have shown that a similar copy number variant affects BRCA2 function (PMID: 24395671). In summary, the available evidence is currently insufficient to determine the role of this variant in disease. Therefore, it has been classified as a Variant of Uncertain Significance.

Literature cited by the submitters: PubMed 30630528; PubMed 24395671.